The following is an entry in ClinVar:

ClinVar aggregate classification (germline): Conflicting classifications of pathogenicity. Review status: criteria provided, conflicting classifications (1 of 4 stars). 5 submissions from 5 submitters: Uncertain significance (2); Likely benign (3). Last evaluated 2026-06-01.

Conditions:
Inborn genetic diseases. Identifiers: MedGen C0950123, MeSH D030342.
NAA15-related disorder.
Intellectual developmental disorder, autosomal dominant 50, with behavioral abnormalities. Also called: MENTAL RETARDATION, AUTOSOMAL DOMINANT 50; Intellectual disability, autosomal dominant 50. Identifiers: MedGen C4540470, MONDO:0030916, OMIM 617787.

Allele frequency attached by ClinVar (database versions not stated): gnomAD exomes 0.00026; ExAC 0.00025; gnomAD 0.00030 and 0.00033; ESP Exome Variant Server 0.00034; TOPMed 0.00030.
gnomAD v4.1: 531 of 1,613,580 alleles (0.033%); highest among the groups gnomAD compares: East Asian, 0.23%; 1 homozygote.

Submissions (5):

CeGaT Center for Human Genetics Tuebingen
Classification: Likely benign. Last evaluated: 2026-06-01. Review status: criteria provided, single submitter. Criteria: CeGaT Center For Human Genetics Tuebingen Variant Classification Criteria Version 2. Collection method: clinical testing. Allele origin: germline. Affected: yes. Observed: 2 variant alleles.
Comment: NAA15: BP4, BS1

PreventionGenetics, part of Exact Sciences
Classification: Likely benign for NAA15-related condition. Last evaluated: 2025-10-11. Review status: criteria provided, single submitter. Criteria: ACMG Guidelines, 2015. Collection method: clinical testing. Allele origin: germline.
Comment: This variant is classified as likely benign based on ACMG/AMP sequence variant interpretation guidelines (Richards et al. 2015 PMID: 25741868, with internal and published modifications).

Labcorp Genetics (formerly Invitae), Labcorp
Classification: Uncertain significance. Last evaluated: 2025-05-22. Review status: criteria provided, single submitter. Criteria: Invitae Variant Classification Sherloc (09022015). Collection method: clinical testing. Allele origin: germline.
Comment: This sequence change replaces asparagine, which is neutral and polar, with serine, which is neutral and polar, at codon 864 of the NAA15 protein (p.Asn864Ser). This variant is present in population databases (rs201822171, gnomAD 0.06%), and has an allele count higher than expected for a pathogenic variant. This missense change has been observed in individual(s) with autism spectrum disorder (PMID: 37130971). In at least one individual the variant was observed to be de novo. ClinVar contains an entry for this variant (Variation ID: 1522897). An algorithm developed to predict the effect of missense changes on protein structure and function (PolyPhen-2) suggests that this variant is likely to be tolerated. In summary, the available evidence is currently insufficient to determine the role of this variant in disease. Therefore, it has been classified as a Variant of Uncertain Significance.

Ambry Genetics
Classification: Likely benign for Inborn genetic diseases. Last evaluated: 2021-07-27. Review status: criteria provided, single submitter. Criteria: Ambry Variant Classification Scheme 2023. Collection method: clinical testing. Allele origin: germline.

Revvity Omics, Revvity
Classification: Uncertain significance for Intellectual developmental disorder, autosomal dominant 50, with behavioral abnormalities. Last evaluated: 2020-11-10. Review status: criteria provided, single submitter. Criteria: ACMG Guidelines, 2015. Collection method: clinical testing. Allele origin: germline.

Literature cited by the submitters: PubMed 37130971 (cited by Labcorp Genetics (formerly Invitae), Labcorp).

NM_057175.5(NAA15):c.2591A>G (p.Asn864Ser)

Gene: NAA15 (N-alpha-acetyltransferase 15, NatA auxiliary subunit; plus strand). Cytogenetic location: 4q31.1.
Variant type: single nucleotide variant.
Coding change: c.2591A>G on transcript NM_057175.5 (MANE Select); coding-DNA position 2591, A replaced by G.
Protein change: p.Asn864Ser; replaces asparagine 864 with serine.
Molecular consequence: missense variant.
Genome position (GRCh38, 1-based): chr4:139,388,074, A>G. VCF-style: chr4-139388074-A-G. GRCh37 (hg19) VCF-style: chr4-140309228-A-G.
Other names: c.2591A>G (NM_057175.3); short protein forms N864S.
Identifiers: ClinVar variation 1522897 (VCV001522897.17), dbSNP rs201822171, ClinGen allele CA3083873.